The following is an entry in ClinVar:

ClinVar aggregate classification (germline): Uncertain significance (1 of 4 stars; one submission).

Conditions:
RASopathy. Also called: Noonan spectrum disorder; rasopathies. Identifiers: Orphanet 536391, MedGen C5555857, MONDO:0021060.

Submission:

Labcorp Genetics (formerly Invitae), Labcorp
Classification: Uncertain significance for RASopathy. Last evaluated: 2024-03-21. Review status: criteria provided, single submitter. Criteria: Invitae Variant Classification Sherloc (09022015). Collection method: clinical testing. Allele origin: germline.
Comment: This sequence change replaces methionine, which is neutral and non-polar, with arginine, which is basic and polar, at codon 140 of the CBL protein (p.Met140Arg). This variant is not present in population databases (gnomAD no frequency). This variant has not been reported in the literature in individuals affected with CBL-related conditions. ClinVar contains an entry for this variant (Variation ID: 543995). Advanced modeling of protein sequence and biophysical properties (such as structural, functional, and spatial information, amino acid conservation, physicochemical variation, residue mobility, and thermodynamic stability) has been performed at Invitae for this missense variant, however the output from this modeling did not meet the statistical confidence thresholds required to predict the impact of this variant on CBL protein function. Algorithms developed to predict the effect of sequence changes on RNA splicing suggest that this variant may disrupt the consensus splice site. In summary, the available evidence is currently insufficient to determine the role of this variant in disease. Therefore, it has been classified as a Variant of Uncertain Significance.

NM_005188.4(CBL):c.419T>G (p.Met140Arg)

Gene: CBL (Cbl proto-oncogene; plus strand). Cytogenetic location: 11q23.3.
Variant type: single nucleotide variant.
Coding change: c.419T>G on transcript NM_005188.4 (MANE Select); coding-DNA position 419, T replaced by G.
Protein change: p.Met140Arg; replaces methionine 140 with arginine.
Molecular consequence: missense variant.
Genome position (GRCh38, 1-based): chr11:119,232,671, T>G. VCF-style: chr11-119232671-T-G. GRCh37 (hg19) VCF-style: chr11-119103381-T-G.
Other names: short protein forms M140R.
Identifiers: ClinVar variation 543995 (VCV000543995.8), dbSNP rs1555226684, ClinGen allele CA382895872.
Genomic context (GRCh38, chr11:119,232,671, plus strand): 5'-AGAATTTGATGAAGAAAACTAAGCAAACCATAAGCCTCTTCAAGGAGGGAAAAGAAAGAA[T>G]GTATGAGGAGAATTCTCAGCCTAGGTAATGGAGAAATACTACACAAATAATTATGCAGGT-3'
Protein context (NP_005179.2, residues 130-150): ISLFKEGKER[Met140Arg]YEENSQPRRN